The following is an entry in ClinVar:

NM_033225.6(CSMD1):c.3795G>T (p.Val1265=)

Gene: CSMD1 (CUB and Sushi multiple domains 1; minus strand). Cytogenetic location: 8p23.2.
Variant type: single nucleotide variant.
Coding change: c.3795G>T on transcript NM_033225.6 (MANE Select); coding-DNA position 3795, G replaced by T.
Protein change: p.Val1265=; no amino-acid change (valine 1265 retained).
Molecular consequence: synonymous variant.
Genome position (GRCh38, 1-based): chr8:3,308,340, C>A on the plus strand (G>T on the coding strand, the complement: CSMD1 is on the minus strand). VCF-style: chr8-3308340-C-A. GRCh37 (hg19) VCF-style: chr8-3165862-C-A.
Identifiers: ClinVar variation 2658339 (VCV002658339.24), dbSNP rs765781510, ClinGen allele CA459062494.

ClinVar aggregate classification (germline): Likely benign (1 of 4 stars; one submission).

gnomAD v4.1: 1 of 1,612,928 alleles (0.000062%); highest among the groups gnomAD compares: Non-Finnish European, 0.000085%; no homozygotes.

Submission:

CeGaT Center for Human Genetics Tuebingen
Classification: Likely benign. Last evaluated: 2022-10-01. Review status: criteria provided, single submitter. Criteria: CeGaT Center For Human Genetics Tuebingen Variant Classification Criteria Version 2. Collection method: clinical testing. Allele origin: germline. Affected: yes. Observed: 1 variant allele.
Comment: CSMD1: BP4, BP7